The following is an entry in ClinVar:

ClinVar aggregate classification (germline): Uncertain significance. Review status: criteria provided, multiple submitters, no conflicts (2 of 4 stars). 3 submissions from 3 submitters: Uncertain significance (3). Last evaluated 2026-02-19.

Conditions:
Cardiovascular phenotype. Identifiers: MedGen CN230736.

Allele frequency attached by ClinVar (database versions not stated): gnomAD 0.00003; TOPMed 0.00028.
gnomAD v4.1: 37 of 1,550,448 alleles (0.0024%); highest among the groups gnomAD compares: Non-Finnish European, 0.0012%; no homozygotes.

Submissions (3):

Women's Health and Genetics/Laboratory Corporation of America, LabCorp
Classification: Uncertain significance. Last evaluated: 2026-02-19. Review status: criteria provided, single submitter. Criteria: LabCorp Variant Classification Summary - May 2015. Collection method: clinical testing. Allele origin: germline.
Comment: Variant summary: ZNF469 c.11483G>A (p.Ser3828Asn) results in a conservative amino acid change in the encoded protein sequence. Algorithms developed to predict the effect of missense changes on protein structure and function are either unavailable or do not agree on the potential impact of this missense change. The variant allele was found at a frequency of 6.5e-06 in 153808 control chromosomes. The available data on variant occurrences in the general population are insufficient to allow any conclusion about variant significance. To our knowledge, no occurrence of c.11483G>A in individuals affected with ZNF469-related conditions and no experimental evidence demonstrating its impact on protein function have been reported. ClinVar contains an entry for this variant (Variation ID: 1730516). Based on the evidence outlined above, the variant was classified as uncertain significance.

Ambry Genetics
Classification: Uncertain significance for Cardiovascular phenotype. Last evaluated: 2025-02-01. Review status: criteria provided, single submitter. Criteria: Ambry Variant Classification Scheme 2023. Collection method: clinical testing. Allele origin: germline.
Comment: The p.S3800N variant (also known as c.11399G>A), located in coding exon 2 of the ZNF469 gene, results from a G to A substitution at nucleotide position 11399. The serine at codon 3800 is replaced by asparagine, an amino acid with highly similar properties. This amino acid position is poorly conserved in available vertebrate species. In addition, this alteration is predicted to be tolerated by in silico analysis. Since supporting evidence is limited at this time, the clinical significance of this alteration remains unclear.

Labcorp Genetics (formerly Invitae), Labcorp
Classification: Uncertain significance. Last evaluated: 2022-05-05. Review status: criteria provided, single submitter. Criteria: Invitae Variant Classification Sherloc (09022015). Collection method: clinical testing. Allele origin: germline.
Comment: This sequence change replaces serine, which is neutral and polar, with asparagine, which is neutral and polar, at codon 3800 of the ZNF469 protein (p.Ser3800Asn). This variant is present in population databases (no rsID available, gnomAD 0.004%). This variant has not been reported in the literature in individuals affected with ZNF469-related conditions. Algorithms developed to predict the effect of missense changes on protein structure and function output the following: SIFT: "Deleterious"; PolyPhen-2: "Benign"; Align-GVGD: "Class C0". The asparagine amino acid residue is found in multiple mammalian species, which suggests that this missense change does not adversely affect protein function. In summary, the available evidence is currently insufficient to determine the role of this variant in disease. Therefore, it has been classified as a Variant of Uncertain Significance.

NM_001367624.2(ZNF469):c.11483G>A (p.Ser3828Asn)

Gene: ZNF469 (zinc finger protein 469; plus strand). Cytogenetic location: 16q24.2.
Variant type: single nucleotide variant.
Coding change: c.11483G>A on transcript NM_001367624.2 (MANE Select); coding-DNA position 11483, G replaced by A.
Protein change: p.Ser3828Asn; replaces serine 3828 with asparagine.
Molecular consequence: missense variant.
Genome position (GRCh38, 1-based): chr16:88,438,953, G>A. VCF-style: chr16-88438953-G-A. GRCh37 (hg19) VCF-style: chr16-88505361-G-A.
Other names: NM_001127464.1:c.11399G>A; short protein forms S3828N.
Identifiers: ClinVar variation 1730516 (VCV001730516.6), dbSNP rs1045825055, ClinGen allele CA286388107.